The following is an entry in ClinVar:

NM_012233.3(RAB3GAP1):c.404A>G (p.His135Arg)

Gene: RAB3GAP1 (RAB3 GTPase activating protein catalytic subunit 1; plus strand). Cytogenetic location: 2q21.3.
Variant type: single nucleotide variant.
Coding change: c.404A>G on transcript NM_012233.3 (MANE Select); coding-DNA position 404, A replaced by G.
Protein change: p.His135Arg; replaces histidine 135 with arginine.
Molecular consequence: missense variant.
Genome position (GRCh38, 1-based): chr2:135,113,192, A>G. VCF-style: chr2-135113192-A-G. GRCh37 (hg19) VCF-style: chr2-135870762-A-G.
Other names: c.404A>G, p.His135Arg (NM_001172435.2); short protein forms H135R.
Identifiers: ClinVar variation 2165651 (VCV002165651.2), dbSNP rs770201219, ClinGen allele CA1884525.
Genomic context (GRCh38, chr2:135,113,192, plus strand): 5'-AGTTAATTCTTTTTTTAAGGTATGGGCTACGTGAGTTCGTGGTGATTGCCCCTGCTGCAC[A>G]CAGTGACGCTGTTCTCAGCGAATCTAAGTGCAACCTTCTTCTGAGTTCTGTTTCTATTGC-3'
Protein context (NP_036365.1, residues 125-145): REFVVIAPAA[His135Arg]SDAVLSESKC

ClinVar aggregate classification (germline): Uncertain significance (1 of 4 stars; one submission).

Allele frequency attached by ClinVar (database versions not stated): ExAC 0.00001; gnomAD exomes 0.00001.
gnomAD v4.1: 8 of 1,614,118 alleles (0.0005%); highest among the groups gnomAD compares: Middle Eastern, 0.049%; no homozygotes.

Submission:

Labcorp Genetics (formerly Invitae), Labcorp
Classification: Uncertain significance. Last evaluated: 2024-05-22. Review status: criteria provided, single submitter. Criteria: Invitae Variant Classification Sherloc (09022015). Collection method: clinical testing. Allele origin: germline.
Comment: This sequence change replaces histidine, which is basic and polar, with arginine, which is basic and polar, at codon 135 of the RAB3GAP1 protein (p.His135Arg). This variant is present in population databases (rs770201219, gnomAD 0.0009%). This variant has not been reported in the literature in individuals affected with RAB3GAP1-related conditions. ClinVar contains an entry for this variant (Variation ID: 2165651). Advanced modeling of protein sequence and biophysical properties (such as structural, functional, and spatial information, amino acid conservation, physicochemical variation, residue mobility, and thermodynamic stability) performed at Invitae indicates that this missense variant is not expected to disrupt RAB3GAP1 protein function with a negative predictive value of 80%. In summary, the available evidence is currently insufficient to determine the role of this variant in disease. Therefore, it has been classified as a Variant of Uncertain Significance.